The following is an entry in ClinVar:

ClinVar aggregate classification (germline): Pathogenic (1 of 4 stars; one submission).

Conditions:
Hypophosphatasia. Also called: Phosphoethanol-aminuria. Identifiers: Orphanet 436, MedGen C0020630, MeSH D007014, MONDO:0018570.

Submission:

Myriad Genetics, Inc.
Classification: Pathogenic for Hypophosphatasia. Last evaluated: 2026-07-14. Review status: criteria provided, single submitter. Criteria: Myriad Autosomal Dominant, Autosomal Recessive and X-Linked Classification Criteria (2023). Collection method: clinical testing. Allele origin: unknown.
Comment: NM_000478.4(ALPL):c.47dupA(N16Kfs*37) is a frameshift variant classified as pathogenic in the context of hypophosphatasia. N16Kfs*37 has not been observed in cases with relevant disease. Relevant functional assessments of this variant are not available in the literature. N16Kfs*37 has not been observed in referenced population frequency databases. In summary, NM_000478.4(ALPL):c.47dupA(N16Kfs*37) is a frameshift variant in a gene where loss of function is a known mechanism of disease, is predicted to disrupt protein function, and has been observed more frequently in cases with the relevant disease than in healthy populations. Please note: this variant was assessed in the context of healthy population screening.

NM_000478.6(ALPL):c.47dup (p.Asn16fs)

Gene: ALPL (alkaline phosphatase, biomineralization associated; plus strand). Cytogenetic location: 1p36.12.
Variant type: Duplication.
Coding change: c.47dup on transcript NM_000478.6 (MANE Select); coding-DNA position 47, one base duplicated (A; older notation c.47dupA).
Protein change: p.Asn16fs; shifts the reading frame from asparagine 16.
Molecular consequence: frameshift variant. On other transcripts: intron variant (2).
Genome position (GRCh38, 1-based): chr1:21,554,128, A duplicated; the last of 2 consecutive A bases (chr1:21,554,127-21,554,128); duplicating either gives the same sequence. VCF-style (leftmost placement, unchanged base first): chr1-21554126-T-TA. GRCh37 (hg19) VCF-style: chr1-21880619-T-TA.
Other names: c.47dup, p.Asn16fs (NM_001369803.2, NM_001369804.2, NM_001369805.2); c.-104-6498dup (NM_001127501.4); c.-54-6498dup (NM_001177520.3); short protein forms N16fs.
Identifiers: ClinVar variation 5004785 (VCV005004785.1).
Genomic context (GRCh38, chr1:21,554,126, plus strand): 5'-GGTCTTGGGGTGCACCATGATTTCACCATTCTTAGTACTGGCCATTGGCACCTGCCTTAC[T>TA]AACTCCTTAGTGCCAGGTATGCTTGGGGACACAGGTGGAGGCATAAAAAGGTGGTGCAGA-3'